The following is an entry in ClinVar:

ClinVar aggregate classification (germline): Uncertain significance (1 of 4 stars; one submission).

Conditions:
Hereditary cancer-predisposing syndrome. Also called: Hereditary neoplastic syndrome; Neoplastic Syndromes, Hereditary; Tumor predisposition; Hereditary Cancer Syndrome. Identifiers: Orphanet 140162, MedGen C0027672, MeSH D009386, MONDO:0015356.

Submission:

Ambry Genetics
Classification: Uncertain significance for Hereditary cancer-predisposing syndrome. Last evaluated: 2022-01-18. Review status: criteria provided, single submitter. Criteria: Ambry Variant Classification Scheme 2023. Collection method: clinical testing. Allele origin: germline.
Comment: The p.L2780I variant (also known as c.8338C>A), located in coding exon 56 of the ATM gene, results from a C to A substitution at nucleotide position 8338. The leucine at codon 2780 is replaced by isoleucine, an amino acid with highly similar properties. This amino acid position is highly conserved in available vertebrate species. In addition, the in silico prediction for this alteration is inconclusive. Since supporting evidence is limited at this time, the clinical significance of this alteration remains unclear.

NM_000051.4(ATM):c.8338C>A (p.Leu2780Ile)

Genes: ATM (ATM serine/threonine kinase; plus strand), C11orf65 (chromosome 11 open reading frame 65; minus strand). Cytogenetic location: 11q22.3.
Variant type: single nucleotide variant.
Coding change: c.8338C>A on transcript NM_000051.4 (MANE Select); coding-DNA position 8338, C replaced by A.
Protein change: p.Leu2780Ile; replaces leucine 2780 with isoleucine.
Molecular consequence: missense variant. On other transcripts: intron variant (2).
Genome position (GRCh38, 1-based): chr11:108,343,291, C>A. VCF-style: chr11-108343291-C-A. GRCh37 (hg19) VCF-style: chr11-108214018-C-A.
Other names: c.8338C>A, p.Leu2780Ile (NM_001351834.2); c.641-34220G>T (NM_001330368.2); c.695-7999G>T (NM_001351110.2); short protein forms L2780I.
Identifiers: ClinVar variation 1762977 (VCV001762977.2), dbSNP rs2136946780, ClinGen allele CA382516450.
Genomic context (GRCh38, chr11:108,343,291, plus strand): 5'-CTCTCTCAGCGAAGTGGTGTTCTTGAATGGTGCACAGGAACTGTCCCCATTGGTGAATTT[C>A]TTGTTAACAATGAAGATGGTGCTCATAAAAGATACAGGCCAAATGATTTCAGTGCCTTTC-3'
Protein context (NP_000042.3, residues 2770-2790): CTGTVPIGEF[Leu2780Ile]VNNEDGAHKR